The following is an entry in ClinVar:

NM_147127.5(EVC2):c.2157C>T (p.Ala719=)

Gene: EVC2 (EvC ciliary complex subunit 2; minus strand). Cytogenetic location: 4p16.2.
Variant type: single nucleotide variant.
Coding change: c.2157C>T on transcript NM_147127.5 (MANE Select); coding-DNA position 2157, C replaced by T.
Protein change: p.Ala719=; no amino-acid change (alanine 719 retained).
Molecular consequence: synonymous variant.
Genome position (GRCh38, 1-based): chr4:5,622,881, G>A on the plus strand (C>T on the coding strand, the complement: EVC2 is on the minus strand). VCF-style: chr4-5622881-G-A. GRCh37 (hg19) VCF-style: chr4-5624608-G-A.
Other names: c.1917C>T, p.Ala639= (NM_001166136.2).
Identifiers: ClinVar variation 1585579 (VCV001585579.33), dbSNP rs777141609, ClinGen allele CA2834792.

ClinVar aggregate classification (germline): Likely benign. Review status: criteria provided, multiple submitters, no conflicts (2 of 4 stars). 2 submissions from 2 submitters: Likely benign (2). Last evaluated 2024-10-02.

Conditions:
Ellis-van Creveld syndrome (EVC). Also called: MESOECTODERMAL DYSPLASIA; Chondroectodermal dysplasia. Identifiers: Orphanet 289, MedGen C0013903, MONDO:0009162, OMIM 225500.
Curry-Hall syndrome (WAD). Also called: WEYERS ACRODENTAL DYSOSTOSIS. Identifiers: Orphanet 952, MedGen C0457013, MONDO:0008673, OMIM 193530.

Allele frequency attached by ClinVar (database versions not stated): gnomAD exomes 0.00001; ExAC 0.00002; gnomAD 0.00004 and 0.00005.
gnomAD v4.1: 19 of 1,614,020 alleles (0.0012%); highest among the groups gnomAD compares: South Asian, 0.0011%; no homozygotes.

Submissions (2):

Labcorp Genetics (formerly Invitae), Labcorp
Classification: Likely benign for Curry-Hall syndrome; Ellis-van Creveld syndrome. Last evaluated: 2024-10-02. Review status: criteria provided, single submitter. Criteria: Invitae Variant Classification Sherloc (09022015). Collection method: clinical testing. Allele origin: germline.

CeGaT Center for Human Genetics Tuebingen
Classification: Likely benign. Last evaluated: 2023-10-01. Review status: criteria provided, single submitter. Criteria: CeGaT Center For Human Genetics Tuebingen Variant Classification Criteria Version 2. Collection method: clinical testing. Allele origin: germline. Affected: yes. Observed: 1 variant allele.
Comment: EVC2: BP4, BP7